The following is an entry in ClinVar:

NM_000444.6(PHEX):c.652_655del (p.His218fs)

Gene: PHEX (phosphate regulating endopeptidase X-linked; plus strand). Cytogenetic location: Xp22.11.
Variant type: Deletion.
Coding change: c.652_655del on transcript NM_000444.6 (MANE Select); coding-DNA positions 652 to 655, 4 bases deleted (CATA; older notation c.652_655delCATA).
Protein change: p.His218fs; shifts the reading frame from histidine 218.
Molecular consequence: frameshift variant.
Genome position (GRCh38, 1-based): chrX:22,077,691-22,077,694, CATA deleted; deleting any 4 consecutive bases within chrX:22,077,690-22,077,694 gives the same sequence; the c. name uses the placement nearest the transcript's 3' end. VCF-style (leftmost placement, unchanged base first): chrX-22077689-AACAT-A. GRCh37 (hg19) VCF-style: chrX-22095807-AACAT-A.
Other names: c.652_655del, p.His218fs (NM_001282754.2); short protein forms H218fs.
Identifiers: ClinVar variation 1339439 (VCV001339439.3), dbSNP rs2147020868, ClinGen allele CA2573055216.

ClinVar aggregate classification (germline): Pathogenic (1 of 4 stars; one submission).

Conditions:
Hypophosphatemic rickets. Identifiers: MedGen C1704375, MeSH D063730, MONDO:0024300, HP:0004912.

Submission:

Laboratory of Cyto-molecular Genetics, Department of Anatomy, All India Institute of Medical Sciences (AIIMS), New Delhi
Classification: Pathogenic for Hypophosphatemic rickets. Last evaluated: 2022-02-07. Review status: criteria provided, single submitter. Criteria: ACMG Guidelines, 2015. Collection method: clinical testing. Allele origin: de novo. Affected: yes. Observed: 1 variant allele.
Comment: p.(His218Serfs*2); frameshift and premature termination codon (PTC) formation

Literature cited by the submitters: PubMed 35738466.